The following is an entry in ClinVar:

NM_000051.4(ATM):c.5565T>G (p.Asn1855Lys)

Gene: ATM (ATM serine/threonine kinase; plus strand). Cytogenetic location: 11q22.3.
Variant type: single nucleotide variant.
Coding change: c.5565T>G on transcript NM_000051.4 (MANE Select); coding-DNA position 5565, T replaced by G.
Protein change: p.Asn1855Lys; replaces asparagine 1855 with lysine.
Molecular consequence: missense variant.
Genome position (GRCh38, 1-based): chr11:108,304,743, T>G. VCF-style: chr11-108304743-T-G. GRCh37 (hg19) VCF-style: chr11-108175470-T-G.
Other names: c.5565T>G, p.Asn1855Lys (NM_001351834.2); short protein forms N1855K.
Identifiers: ClinVar variation 572732 (VCV000572732.11), dbSNP rs1565481888, ClinGen allele CA382546053.
Genomic context (GRCh38, chr11:108,304,743, plus strand): 5'-TGACTTTTGTCAGACTGTACTTCCATACTTGATTCATGATATTTTACTCCAAGATACAAA[T>G]GAATCATGGAGAAATCTGCTTTCTACACATGTTCAGGGATTTTTCACCAGCTGTCTTCGA-3'
Protein context (NP_000042.3, residues 1845-1865): LIHDILLQDT[Asn1855Lys]ESWRNLLSTH

ClinVar aggregate classification (germline): Uncertain significance. Review status: criteria provided, multiple submitters, no conflicts (2 of 4 stars). 3 submissions from 3 submitters: Uncertain significance (2). 1 of the submissions does not count toward it. Last evaluated 2025-04-18.

Conditions:
Ataxia-telangiectasia syndrome (AT). Also called: AT, COMPLEMENTATION GROUP C; Cerebello-oculocutaneous telangiectasia; Immunodeficiency with ataxia telangiectasia; Ataxia-telangiectasia, complementation group D; ATAXIA-TELANGIECTASIA, FRESNO VARIANT; Ataxia-telangiectasia, complementation group E. Identifiers: Orphanet 100, MedGen C0004135, MONDO:0008840, OMIM 208900.
Hereditary cancer-predisposing syndrome. Also called: Hereditary neoplastic syndrome; Neoplastic Syndromes, Hereditary; Hereditary Cancer Syndrome; Tumor predisposition. Identifiers: Orphanet 140162, MedGen C0027672, MeSH D009386, MONDO:0015356.

gnomAD v4.1: 1 of 1,614,112 alleles (0.000062%); highest among the groups gnomAD compares: East Asian, 0.0022%; no homozygotes.

Submissions (3):

Ambry Genetics
Classification: Uncertain significance for Hereditary cancer-predisposing syndrome. Last evaluated: 2025-04-18. Review status: criteria provided, single submitter. Criteria: Ambry Variant Classification Scheme 2023. Collection method: clinical testing. Allele origin: germline.
Comment: The p.N1855K variant (also known as c.5565T>G), located in coding exon 36 of the ATM gene, results from a T to G substitution at nucleotide position 5565. The asparagine at codon 1855 is replaced by lysine, an amino acid with similar properties. This amino acid position is not well conserved in available vertebrate species. In addition, this alteration is predicted to be tolerated by in silico analysis. Since supporting evidence is limited at this time, the clinical significance of this alteration remains unclear.

Labcorp Genetics (formerly Invitae), Labcorp
Classification: Uncertain significance for Ataxia-telangiectasia syndrome. Last evaluated: 2024-02-07. Review status: criteria provided, single submitter. Criteria: Invitae Variant Classification Sherloc (09022015). Collection method: clinical testing. Allele origin: germline.
Comment: This sequence change replaces asparagine, which is neutral and polar, with lysine, which is basic and polar, at codon 1855 of the ATM protein (p.Asn1855Lys). This variant is not present in population databases (gnomAD no frequency). This variant has not been reported in the literature in individuals affected with ATM-related conditions. ClinVar contains an entry for this variant (Variation ID: 572732). An algorithm developed to predict the effect of missense changes on protein structure and function (PolyPhen-2) suggests that this variant is likely to be tolerated. In summary, the available evidence is currently insufficient to determine the role of this variant in disease. Therefore, it has been classified as a Variant of Uncertain Significance.

Natera, Inc.
Classification: Uncertain significance for Ataxia-telangiectasia. Last evaluated: 2020-09-16. Review status: no assertion criteria provided. Collection method: clinical testing. Allele origin: germline. Not counted in ClinVar's aggregate classification.